The following is an entry in ClinVar:

ClinVar aggregate classification (germline): Conflicting classifications of pathogenicity. Review status: criteria provided, conflicting classifications (1 of 4 stars). 5 submissions from 5 submitters: Pathogenic (2); Likely pathogenic (1); Uncertain significance (2). Last evaluated 2026-05-12.

Conditions:
Osteogenesis imperfecta type I (OI1). Also called: OI, TYPE I; OSTEOGENESIS IMPERFECTA TARDA; OSTEOGENESIS IMPERFECTA WITH BLUE SCLERAE; Osteogenesis imperfecta type 1; Classic Non-deforming Osteogenesis Imperfecta with Blue Sclerae; Lobstein disease. Identifiers: Orphanet 216796, Orphanet 666, MedGen C0023931, MONDO:0008146, OMIM 166200. Disease mechanism: loss of function.
Osteogenesis imperfecta (OI). Identifiers: Orphanet 666, MedGen C0029434, MeSH D010013, MONDO:0019019.

Allele frequency attached by ClinVar (database versions not stated): gnomAD exomes below 0.00001; gnomAD 0.00001; TOPMed below 0.00001.
gnomAD v4.1: 2 of 1,601,846 alleles (0.00012%); highest among the groups gnomAD compares: East Asian, 0.0022%; no homozygotes.

Submissions (5):

Genome Diagnostics Laboratory, The Hospital for Sick Children
Classification: Likely pathogenic for Osteogenesis imperfecta. Last evaluated: 2026-05-12. Review status: criteria provided, single submitter. Criteria: ACMG Guidelines, 2015. Collection method: clinical testing. Allele origin: germline. Affected: yes.
Comment: This missense variant results in a change of glutamic acid to lysine at position 678, and in silico programs predict this variant to be damaging. This variant was previously observed in several affected individuals with arthrochalasia Ehlers-Danlos syndrome (PMID: 35128800); and was also reported to segregate with disease in one family (internal data). This variant is observed at a low allele frequency of 0.00012% in populations of the Genome Aggregation Database (gnomAD). Based on the evidence, this variant is classified as a likely pathogenic variant (ACMG Criteria: PS4m, PM2, PP1, PP3, PP5).

Labcorp Genetics (formerly Invitae), Labcorp
Classification: Pathogenic for Osteogenesis imperfecta type I. Last evaluated: 2026-01-01. Review status: criteria provided, single submitter. Criteria: Invitae Variant Classification Sherloc (09022015). Collection method: clinical testing. Allele origin: germline.
Comment: This sequence change replaces glutamic acid, which is acidic and polar, with lysine, which is basic and polar, at codon 678 of the COL1A1 protein (p.Glu678Lys). The frequency data for this variant in the population databases is considered unreliable, as metrics indicate poor data quality at this position in the gnomAD database. This missense change has been observed in individual(s) with clinical features of autosomal dominant COL1A1-related conditions (PMID: 35128800; internal data). In at least one individual the variant was observed to be de novo. ClinVar contains an entry for this variant (Variation ID: 456742). Invitae Evidence Modeling of protein sequence and biophysical properties (such as structural, functional, and spatial information, amino acid conservation, physicochemical variation, residue mobility, and thermodynamic stability) indicates that this missense variant is expected to disrupt COL1A1 protein function with a positive predictive value of 95%. For these reasons, this variant has been classified as Pathogenic.

Dasa
Classification: Uncertain significance. Last evaluated: 2025-12-03. Review status: criteria provided, single submitter. Criteria: DASA Assertion Criteria. Collection method: clinical testing. Allele origin: germline.
Comment: NM_000088.4(COL1A1):c.2032G>A (p.Glu678Lys) is a missense variant that results in the substitution of glutamic acid with lysine. This variant has been reported in individuals with COL1A1-related disorders (PMID: 35128800). Also, this variant is rare in population databases. Computational prediction algorithms are consistent with a deleterious effect. The currently available literature and clinical evidence are not sufficient to establish a definitive association between this variant and the reported condition. Therefore, this variant is classified as a variant of uncertain significance.

GeneDx
Classification: Pathogenic. Last evaluated: 2024-02-29. Review status: criteria provided, single submitter. Criteria: GeneDx Variant Classification Process June 2021. Collection method: clinical testing. Allele origin: germline. Affected: yes.
Comment: Reported in two unrelated individuals from a cohort of patients referred for genetic testing based on suspicion of Ehlers-Danlos syndrome (PMID: 35128800) and in unrelated patients with clinical features consistent with a COL1A1-related disorder referred for genetic testing at GeneDx; Not observed at significant frequency in large population cohorts (gnomAD); In silico analysis supports that this missense variant has a deleterious effect on protein structure/function; Occurs in the triple helical domain at the X position in the canonical Gly-X-Y repeat; although this variant may have an effect on normal protein folding and function, missense substitution at the X position is not a common mechanism of disease (HGMD); This variant is associated with the following publications: (PMID: 35383688, 35128800)

Blueprint Genetics
Classification: Uncertain significance. Last evaluated: 2020-06-20. Review status: criteria provided, single submitter. Criteria: ACMG Guidelines, 2015. Collection method: clinical testing. Allele origin: germline.

Literature cited by the submitters: PubMed 35128800 (cited by 3 submitters).

NM_000088.4(COL1A1):c.2032G>A (p.Glu678Lys)

Gene: COL1A1 (collagen type I alpha 1 chain; minus strand). Cytogenetic location: 17q21.33.
Variant type: single nucleotide variant.
Coding change: c.2032G>A on transcript NM_000088.4 (MANE Select); coding-DNA position 2032, G replaced by A.
Protein change: p.Glu678Lys; replaces glutamic acid 678 with lysine.
Molecular consequence: missense variant.
Genome position (GRCh38, 1-based): chr17:50,191,883, C>T on the plus strand (G>A on the coding strand, the complement: COL1A1 is on the minus strand). VCF-style: chr17-50191883-C-T. GRCh37 (hg19) VCF-style: chr17-48269244-C-T.
Other names: short protein forms E678K.
Identifiers: ClinVar variation 456742 (VCV000456742.21), dbSNP rs1213427451, ClinGen allele CA400212062.